The following is an entry in ClinVar:

NM_004168.4(SDHA):c.667G>A (p.Asp223Asn)

Gene: SDHA (succinate dehydrogenase complex flavoprotein subunit A; plus strand). Cytogenetic location: 5p15.33.
Variant type: single nucleotide variant.
Coding change: c.667G>A on transcript NM_004168.4 (MANE Select); coding-DNA position 667, G replaced by A.
Protein change: p.Asp223Asn; replaces aspartic acid 223 with asparagine.
Molecular consequence: missense variant.
Genome position (GRCh38, 1-based): chr5:228,230, G>A. VCF-style: chr5-228230-G-A. GRCh37 (hg19) VCF-style: chr5-228345-G-A.
Other names: c.523G>A, p.Asp175Asn (NM_001294332.2); c.667G>A, p.Asp223Asn (NM_001330758.2); short protein forms D175N, D223N.
Identifiers: ClinVar variation 3754188 (VCV003754188.2).

ClinVar aggregate classification (germline): Uncertain significance (1 of 4 stars; one submission).

Conditions:
Mitochondrial complex II deficiency, nuclear type 1. Also called: SUCCINATE CoQ REDUCTASE DEFICIENCY. Identifiers: Orphanet 3208, MedGen C5700310, MONDO:0100294, OMIM 252011.
Pheochromocytoma/paraganglioma syndrome 5. Also called: Paragangliomas 5; SDHA-Related Hereditary Paraganglioma-Pheochromocytoma Syndrome. Identifiers: Orphanet 29072, MedGen C3279992, MONDO:0013602, OMIM 614165.

Submission:

Labcorp Genetics (formerly Invitae), Labcorp
Classification: Uncertain significance for Pheochromocytoma/paraganglioma syndrome 5; Mitochondrial complex II deficiency, nuclear type 1. Last evaluated: 2024-03-26. Review status: criteria provided, single submitter. Criteria: Invitae Variant Classification Sherloc (09022015). Collection method: clinical testing. Allele origin: germline.
Comment: This sequence change replaces aspartic acid, which is acidic and polar, with asparagine, which is neutral and polar, at codon 223 of the SDHA protein (p.Asp223Asn). This variant is not present in population databases (gnomAD no frequency). This variant has not been reported in the literature in individuals affected with SDHA-related conditions. Advanced modeling of protein sequence and biophysical properties (such as structural, functional, and spatial information, amino acid conservation, physicochemical variation, residue mobility, and thermodynamic stability) has been performed at Invitae for this missense variant, however the output from this modeling did not meet the statistical confidence thresholds required to predict the impact of this variant on SDHA protein function. In summary, the available evidence is currently insufficient to determine the role of this variant in disease. Therefore, it has been classified as a Variant of Uncertain Significance.